The following is an entry in ClinVar:

ClinVar aggregate classification (germline): Benign/Likely benign. Review status: criteria provided, multiple submitters, no conflicts (2 of 4 stars). 2 submissions from 2 submitters: Benign (1); Likely benign (1). Last evaluated 2025-02-26.

Conditions:
Hereditary cancer-predisposing syndrome. Also called: Neoplastic Syndromes, Hereditary; Tumor predisposition; Hereditary neoplastic syndrome; Hereditary Cancer Syndrome. Identifiers: Orphanet 140162, MedGen C0027672, MeSH D009386, MONDO:0015356.
Multiple endocrine neoplasia type 2A. Also called: Multiple Endocrine Neoplasia Type 2A (MEN2A); MULTIPLE ENDOCRINE NEOPLASIA, TYPE IIA; PTC SYNDROME; SIPPLE SYNDROME; MEN 2A; MEN-2A syndrome. Identifiers: Orphanet 247698, Orphanet 653, MedGen C0025268, MeSH D018813, MONDO:0008234, OMIM 171400.

gnomAD v4.1: 1 of 1,608,558 alleles (0.000062%); no homozygotes.

Submissions (2):

Myriad Genetics, Inc.
Classification: Benign for Multiple endocrine neoplasia type 2A. Last evaluated: 2025-02-26. Review status: criteria provided, single submitter. Criteria: Myriad Autosomal Dominant, Autosomal Recessive and X-Linked Classification Criteria (2023). Collection method: clinical testing. Allele origin: unknown.
Comment: This variant is considered benign. This variant is a silent/synonymous amino acid change and it is not expected to impact splicing.

Ambry Genetics
Classification: Likely benign for Hereditary cancer-predisposing syndrome. Last evaluated: 2024-01-19. Review status: criteria provided, single submitter. Criteria: Ambry Variant Classification Scheme 2023. Collection method: clinical testing. Allele origin: germline.

NM_020975.6(RET):c.1911G>A (p.Val637=)

Gene: RET (ret proto-oncogene; plus strand). Cytogenetic location: 10q11.21.
Variant type: single nucleotide variant.
Coding change: c.1911G>A on transcript NM_020975.6 (MANE Select); coding-DNA position 1911, G replaced by A.
Protein change: p.Val637=; no amino-acid change (valine 637 retained).
Molecular consequence: synonymous variant. On other transcripts: intron variant (4).
Genome position (GRCh38, 1-based): chr10:43,114,511, G>A. VCF-style: chr10-43114511-G-A. GRCh37 (hg19) VCF-style: chr10-43609959-G-A.
Other names: c.1911G>A, p.Val637= (NM_000323.2, NM_001406743.1, NM_001406744.1 and 4 more transcripts); c.1149G>A, p.Val383= (NM_001355216.2); c.1782G>A, p.Val594= (NM_001406761.1, NM_001406762.1, NM_001406764.1); c.1623G>A, p.Val541= (NM_001406766.1, NM_001406767.1, NM_001406770.1); c.1515G>A, p.Val505= (NM_001406769.1, NM_001406772.1); c.1473G>A, p.Val491= (NM_001406771.1, NM_001406773.1); c.1386G>A, p.Val462= (NM_001406774.1); c.1185G>A, p.Val395= (NM_001406775.1, NM_001406776.1, NM_001406777.1 and 1 more transcripts); and 10 more.
Identifiers: ClinVar variation 3227517 (VCV003227517.2), dbSNP rs761187737, ClinGen allele CA469479598.